The following is an entry in ClinVar:

ClinVar aggregate classification (germline): Benign (1 of 4 stars; one submission).

gnomAD v4.1: 851 of 1,609,664 alleles (0.053%); highest among the groups gnomAD compares: Admixed American, 0.15%; 2 homozygotes.

Submission:

CeGaT Center for Human Genetics Tuebingen
Classification: Benign. Last evaluated: 2024-08-01. Review status: criteria provided, single submitter. Criteria: CeGaT Center For Human Genetics Tuebingen Variant Classification Criteria Version 2. Collection method: clinical testing. Allele origin: germline. Affected: yes. Observed: 1 variant allele.
Comment: ATAD3B: BP4, BS1, BS2

NM_031921.6(ATAD3B):c.906+6G>A

Gene: ATAD3B (ATPase family AAA domain containing 3B; plus strand). Cytogenetic location: 1p36.33.
Variant type: single nucleotide variant.
Coding change: c.906+6G>A on transcript NM_031921.6 (MANE Select); 6 bases into the intron after coding-DNA position 906, G replaced by A.
Molecular consequence: intron variant.
Genome position (GRCh38, 1-based): chr1:1,485,177, G>A. VCF-style: chr1-1485177-G-A. GRCh37 (hg19) VCF-style: chr1-1420557-G-A.
Other names: c.768+6G>A (NM_001317238.2).
Identifiers: ClinVar variation 3341651 (VCV003341651.16).